The following is an entry in ClinVar:

NM_007294.4(BRCA1):c.5194-2216G>T

Gene: BRCA1 (BRCA1 DNA repair associated; minus strand). Cytogenetic location: 17q21.31.
Variant type: single nucleotide variant.
Coding change: c.5194-2216G>T on transcript NM_007294.4 (MANE Select); 2216 bases into the intron before coding-DNA position 5194, G replaced by T.
Molecular consequence: intron variant.
Genome position (GRCh38, 1-based): chr17:43,059,351, C>A on the plus strand (G>T on the coding strand, the complement: BRCA1 is on the minus strand). VCF-style: chr17-43059351-C-A. GRCh37 (hg19) VCF-style: chr17-41211368-C-A.
Other names: IVS 19-2216G>T; c.1759-2216G>T (NM_001408436.1, NM_001408435.1, NM_001408444.1 and 10 more transcripts); c.5071-2216G>T (NM_001407665.1, NM_001407938.1, NM_001407667.1 and 6 more transcripts); c.1882-2216G>T (NM_001407980.1, NM_001407993.1, NM_001407985.1 and 12 more transcripts); c.1885-2216G>T (NM_001407976.1, NM_001407974.1, NM_001407973.1 and 3 more transcripts); c.5191-2216G>T (NM_001407618.1, NM_001407614.1, NM_001407626.1 and 17 more transcripts); c.5194-2216G>T (NM_001407603.1, NM_001407854.1, NM_001407598.1 and 7 more transcripts); c.1750-2216G>T (NM_001408451.1); and 73 more.
Identifiers: ClinVar variation 209300 (VCV000209300.2), dbSNP rs142638930, ClinGen allele CA276272.

ClinVar aggregate classification (germline): Benign (3 of 4 stars; one submission).

Conditions:
Breast-ovarian cancer, familial, susceptibility to, 1 (BROVCA1). Also called: BRCA1 Hereditary Breast and Ovarian Cancer; OVARIAN CANCER, SUSCEPTIBILITY TO. Identifiers: Orphanet 145, MedGen C2676676, MONDO:0011450, OMIM 604370. Disease mechanism: loss of function.

Allele frequency attached by ClinVar (database versions not stated): 1000 Genomes Project 30x 0.00031; 1000 Genomes Project 0.00040.
gnomAD v4.1: 1 of 152,230 alleles (0.00066%); highest among the groups gnomAD compares: African/African-American, 0.0024%; no homozygotes.

Submission:

Evidence-based Network for the Interpretation of Germline Mutant Alleles (ENIGMA)
Classification: Benign for Breast-ovarian cancer, familial 1. Last evaluated: 2015-01-12. Review status: reviewed by expert panel. Criteria: ENIGMA BRCA1/2 Classification Criteria (2015). Collection method: curation. Allele origin: germline.
Comment: Class 1 not pathogenic based on frequency >1% in an outbred sampleset. Frequency 0.01626 (African), derived from 1000 genomes (2012-04-30).